The following is an entry in ClinVar:

NM_017654.4(SAMD9):c.4424A>G (p.Lys1475Arg)

Gene: SAMD9 (sterile alpha motif domain containing 9; minus strand). Cytogenetic location: 7q21.2.
Variant type: single nucleotide variant.
Coding change: c.4424A>G on transcript NM_017654.4 (MANE Select); coding-DNA position 4424, A replaced by G.
Protein change: p.Lys1475Arg; replaces lysine 1475 with arginine.
Molecular consequence: missense variant.
Genome position (GRCh38, 1-based): chr7:93,101,674, T>C on the plus strand (A>G on the coding strand, the complement: SAMD9 is on the minus strand). VCF-style: chr7-93101674-T-C. GRCh37 (hg19) VCF-style: chr7-92730987-T-C.
Other names: c.4424A>G, p.Lys1475Arg (NM_001193307.2); short protein forms K1475R.
Identifiers: ClinVar variation 4629956 (VCV004629956.1).

ClinVar aggregate classification (germline): Uncertain significance (1 of 4 stars; one submission).

Conditions:
Inborn genetic diseases. Identifiers: MedGen C0950123, MeSH D030342.

gnomAD v4.1: 1 of 1,613,800 alleles (0.000062%); highest among the groups gnomAD compares: South Asian, 0.0011%; no homozygotes.

Submission:

Ambry Genetics
Classification: Uncertain significance for Inborn genetic diseases. Last evaluated: 2025-11-22. Review status: criteria provided, single submitter. Criteria: Ambry Variant Classification Scheme 2023. Collection method: clinical testing. Allele origin: germline.
Comment: The p.K1475R variant (also known as c.4424A>G), located in coding exon 1 of the SAMD9 gene, results from an A to G substitution at nucleotide position 4424. The lysine at codon 1475 is replaced by arginine, an amino acid with highly similar properties. This amino acid position is conserved. In addition, this alteration is predicted to be tolerated by in silico analysis. Based on the available evidence, the clinical significance of this variant remains unclear.